The following is an entry in ClinVar:

ClinVar aggregate classification (germline): Uncertain significance. Review status: criteria provided, multiple submitters, no conflicts (2 of 4 stars). 2 submissions from 2 submitters: Uncertain significance (2). Last evaluated 2025-11-04.

Conditions:
Inborn genetic diseases. Identifiers: MedGen C0950123, MeSH D030342.

Submissions (2):

Labcorp Genetics (formerly Invitae), Labcorp
Classification: Uncertain significance. Last evaluated: 2025-11-04. Review status: criteria provided, single submitter. Criteria: Invitae Variant Classification Sherloc (09022015). Collection method: clinical testing. Allele origin: germline.
Comment: This sequence change replaces glycine, which is neutral and non-polar, with valine, which is neutral and non-polar, at codon 150 of the MBD4 protein (p.Gly150Val). This variant is present in population databases (rs762698030, gnomAD 0.003%). This variant has not been reported in the literature in individuals affected with MBD4-related conditions. ClinVar contains an entry for this variant (Variation ID: 3543768). An algorithm developed to predict the effect of missense changes on protein structure and function (PolyPhen-2) suggests that this variant is likely to be tolerated. In summary, the available evidence is currently insufficient to determine the role of this variant in disease. Therefore, it has been classified as a Variant of Uncertain Significance.

Ambry Genetics
Classification: Uncertain significance for Inborn genetic diseases. Last evaluated: 2024-11-23. Review status: criteria provided, single submitter. Criteria: Ambry Variant Classification Scheme 2023. Collection method: clinical testing. Allele origin: germline.
Comment: The p.G150V variant (also known as c.449G>T), located in coding exon 3 of the MBD4 gene, results from a G to T substitution at nucleotide position 449. The glycine at codon 150 is replaced by valine, an amino acid with dissimilar properties. This amino acid position is conserved. In addition, this alteration is predicted to be tolerated by in silico analysis. Based on the available evidence, the clinical significance of this variant remains unclear.

NM_001276270.2(MBD4):c.449G>T (p.Gly150Val)

Gene: MBD4 (methyl-CpG binding domain 4, DNA glycosylase; minus strand). Cytogenetic location: 3q21.3.
Variant type: single nucleotide variant.
Coding change: c.449G>T on transcript NM_001276270.2 (MANE Select); coding-DNA position 449, G replaced by T.
Protein change: p.Gly150Val; replaces glycine 150 with valine.
Molecular consequence: missense variant. On other transcripts: intron variant (1).
Genome position (GRCh38, 1-based): chr3:129,437,195, C>A on the plus strand (G>T on the coding strand, the complement: MBD4 is on the minus strand). VCF-style: chr3-129437195-C-A. GRCh37 (hg19) VCF-style: chr3-129156038-C-A.
Other names: c.449G>T, p.Gly150Val (NM_001276271.2, NM_001276272.2, NM_003925.3); c.247+613G>T (NM_001276273.2); short protein forms G150V.
Identifiers: ClinVar variation 3543768 (VCV003543768.3).
Genomic context (GRCh38, chr3:129,437,195, plus strand): 5'-TGGTTTTGTAGATGGGATGTCAGGGCTGCCATGCTGCAGTCTTTATATCTTGACTTGATA[C>A]CCCTTTTAGAAAGTACAGTAAAATCAAAATCTTCTGGCTTAAGAGAAGTCTCTCCATTTT-3'
Protein context (NP_001263199.1, residues 140-160): DFDFTVLSKR[Gly150Val]IKSRYKDCSM